The following is an entry in ClinVar:

NM_001379659.1(ZNF142):c.510A>G (p.Arg170=)

Gene: ZNF142 (zinc finger protein 142; minus strand). Cytogenetic location: 2q35.
Variant type: single nucleotide variant.
Coding change: c.510A>G on transcript NM_001379659.1 (MANE Select); coding-DNA position 510, A replaced by G.
Protein change: p.Arg170=; no amino-acid change (arginine 170 retained).
Molecular consequence: synonymous variant. On other transcripts: intron variant (6).
Genome position (GRCh38, 1-based): chr2:218,652,071, T>C on the plus strand (A>G on the coding strand, the complement: ZNF142 is on the minus strand). VCF-style: chr2-218652071-T-C. GRCh37 (hg19) VCF-style: chr2-219516794-T-C.
Other names: c.510A>G, p.Arg170= (NM_001366290.3, NM_001379660.1, NM_001379661.1); c.281-1545A>G (NM_001379662.1, NM_001105537.4, NM_001366291.2); c.-331-249A>G (NM_001366289.2, NM_001366288.2, NM_001366287.2).
Identifiers: ClinVar variation 2651895 (VCV002651895.25), dbSNP rs183062089, ClinGen allele CA2109494.
Genomic context (GRCh38, chr2:218,652,071, plus strand): 5'-AGGAGTGCCCCGGTGAATCTTGAAGTGGCTCTTCAGGGCCTGGGGTTGGGCAAACTCCTG[T>C]CTACACACAGGGCATGATAGGGGGCTAACTGGCGGGCTCTGGCCCTGCAGAGGGCCAGGG-3'
Protein context (NP_001366588.1, residues 160-180): PVSPLSCPVC[Arg170=]QEFAQPQALK

ClinVar aggregate classification (germline): Likely benign. Review status: criteria provided, single submitter (1 of 4 stars). 2 submissions from 2 submitters: Likely benign (1). 1 of the submissions does not count toward it. Last evaluated 2026-09-01.

Conditions:
ZNF142-related disorder. Also called: ZNF142-related condition.

Allele frequency attached by ClinVar (database versions not stated): ExAC 0.00075; gnomAD exomes 0.00180; 1000 Genomes Project 0.00040; 1000 Genomes Project 30x 0.00047.
gnomAD v4.1: 816 of 460,582 alleles (0.18%); highest among the groups gnomAD compares: Non-Finnish European, 0.29%; 3 homozygotes.

Submissions (2):

CeGaT Center for Human Genetics Tuebingen
Classification: Likely benign. Last evaluated: 2026-09-01. Review status: criteria provided, single submitter. Criteria: CeGaT Center For Human Genetics Tuebingen Variant Classification Criteria Version 2. Collection method: clinical testing. Allele origin: germline. Affected: yes. Observed: 8 variant alleles.
Comment: ZNF142: BP4, BP7

PreventionGenetics, part of Exact Sciences
Classification: Likely benign for ZNF142-related condition. Last evaluated: 2024-09-27. Review status: no assertion criteria provided. Collection method: clinical testing. Allele origin: germline. Not counted in ClinVar's aggregate classification.
Comment: This variant is classified as likely benign based on ACMG/AMP sequence variant interpretation guidelines (Richards et al. 2015 PMID: 25741868, with internal and published modifications).